The following is an entry in ClinVar:

NM_005157.6(ABL1):c.1916G>C (p.Arg639Pro)

Gene: ABL1 (ABL proto-oncogene 1, non-receptor tyrosine kinase; plus strand). Cytogenetic location: 9q34.12.
Variant type: single nucleotide variant.
Coding change: c.1916G>C on transcript NM_005157.6 (MANE Select); coding-DNA position 1916, G replaced by C.
Protein change: p.Arg639Pro; replaces arginine 639 with proline.
Molecular consequence: missense variant.
Genome position (GRCh38, 1-based): chr9:130,884,206, G>C. VCF-style: chr9-130884206-G-C. GRCh37 (hg19) VCF-style: chr9-133759593-G-C.
Other names: c.1973G>C, p.Arg658Pro (NM_007313.3); short protein forms R639P, R658P.
Identifiers: ClinVar variation 2092746 (VCV002092746.4), dbSNP rs1476030646, ClinGen allele CA375254207.

ClinVar aggregate classification (germline): Uncertain significance (1 of 4 stars; one submission).

gnomAD v4.1: 1 of 1,610,402 alleles (0.000062%); highest among the groups gnomAD compares: Non-Finnish European, 0.000085%; no homozygotes.

Submission:

Labcorp Genetics (formerly Invitae), Labcorp
Classification: Uncertain significance. Last evaluated: 2022-02-04. Review status: criteria provided, single submitter. Criteria: Invitae Variant Classification Sherloc (09022015). Collection method: clinical testing. Allele origin: germline.
Comment: In summary, the available evidence is currently insufficient to determine the role of this variant in disease. Therefore, it has been classified as a Variant of Uncertain Significance. Advanced modeling of protein sequence and biophysical properties (such as structural, functional, and spatial information, amino acid conservation, physicochemical variation, residue mobility, and thermodynamic stability) performed at Invitae indicates that this missense variant is not expected to disrupt ABL1 protein function. This variant has not been reported in the literature in individuals affected with ABL1-related conditions. This variant is not present in population databases (gnomAD no frequency). This sequence change replaces arginine, which is basic and polar, with proline, which is neutral and non-polar, at codon 658 of the ABL1 protein (p.Arg658Pro).